The following is an entry in ClinVar:

NM_006766.5(KAT6A):c.988C>T (p.Arg330Cys)

Gene: KAT6A (lysine acetyltransferase 6A; minus strand). Cytogenetic location: 8p11.21.
Variant type: single nucleotide variant.
Coding change: c.988C>T on transcript NM_006766.5 (MANE Select); coding-DNA position 988, C replaced by T.
Protein change: p.Arg330Cys; replaces arginine 330 with cysteine.
Molecular consequence: missense variant.
Genome position (GRCh38, 1-based): chr8:41,978,697, G>A on the plus strand (C>T on the coding strand, the complement: KAT6A is on the minus strand). VCF-style: chr8-41978697-G-A. GRCh37 (hg19) VCF-style: chr8-41836215-G-A.
Other names: c.988C>T, p.Arg330Cys (NM_001305878.2); short protein forms R330C.
Identifiers: ClinVar variation 2789997 (VCV002789997.3), dbSNP rs1824194364, ClinGen allele CA371076690.

ClinVar aggregate classification (germline): Uncertain significance (1 of 4 stars; one submission).

Allele frequency attached by ClinVar (database versions not stated): gnomAD exomes below 0.00001; TOPMed below 0.00001.
gnomAD v4.1: 6 of 1,613,760 alleles (0.00037%); highest among the groups gnomAD compares: Admixed American, 0.0033%; no homozygotes.

Submission:

Labcorp Genetics (formerly Invitae), Labcorp
Classification: Uncertain significance. Last evaluated: 2025-09-23. Review status: criteria provided, single submitter. Criteria: Invitae Variant Classification Sherloc (09022015). Collection method: clinical testing. Allele origin: germline.
Comment: This sequence change replaces arginine, which is basic and polar, with cysteine, which is neutral and slightly polar, at codon 330 of the KAT6A protein (p.Arg330Cys). This variant is not present in population databases (gnomAD no frequency). This variant has not been reported in the literature in individuals affected with KAT6A-related conditions. ClinVar contains an entry for this variant (Variation ID: 2789997). Invitae Evidence Modeling of protein sequence and biophysical properties (such as structural, functional, and spatial information, amino acid conservation, physicochemical variation, residue mobility, and thermodynamic stability) indicates that this missense variant is not expected to disrupt KAT6A protein function with a negative predictive value of 95%. In summary, the available evidence is currently insufficient to determine the role of this variant in disease. Therefore, it has been classified as a Variant of Uncertain Significance.